The following is an entry in ClinVar:

NM_152641.4(ARID2):c.4818G>A (p.Gln1606=)

Gene: ARID2 (AT-rich interaction domain 2; plus strand). Cytogenetic location: 12q12.
Variant type: single nucleotide variant.
Coding change: c.4818G>A on transcript NM_152641.4 (MANE Select); coding-DNA position 4818, G replaced by A.
Protein change: p.Gln1606=; no amino-acid change (glutamine 1606 retained).
Molecular consequence: synonymous variant.
Genome position (GRCh38, 1-based): chr12:45,860,845, G>A. VCF-style: chr12-45860845-G-A. GRCh37 (hg19) VCF-style: chr12-46254628-G-A.
Other names: c.4818G>A, p.Gln1606= (NM_001347839.2).
Identifiers: ClinVar variation 3036083 (VCV003036083.2), dbSNP rs903167906, ClinGen allele CA236404366.

ClinVar aggregate classification (germline): Likely benign (0 of 4 stars; one submission).

Conditions:
ARID2-related disorder. Also called: ARID2-related condition.

Allele frequency attached by ClinVar (database versions not stated): gnomAD exomes below 0.00001; TOPMed 0.00002.
gnomAD v4.1: 7 of 1,608,502 alleles (0.00044%); highest among the groups gnomAD compares: Admixed American, 0.0034%; no homozygotes.

Submission:

PreventionGenetics, part of Exact Sciences
Classification: Likely benign for ARID2-related condition. Last evaluated: 2020-05-21. Review status: no assertion criteria provided. Collection method: clinical testing. Allele origin: germline.
Comment: This variant is classified as likely benign based on ACMG/AMP sequence variant interpretation guidelines (Richards et al. 2015 PMID: 25741868, with internal and published modifications).